The following is an entry in ClinVar:

ClinVar aggregate classification (germline): Conflicting classifications of pathogenicity. Review status: criteria provided, conflicting classifications (1 of 4 stars). 6 submissions from 6 submitters: Uncertain significance (1); Benign (2); Likely benign (2). 1 of the submissions does not count toward it. Last evaluated 2025-12-14.

Conditions:
MYO3A-related disorder. Also called: MYO3A-related condition.
Autosomal recessive nonsyndromic hearing loss 30. Identifiers: Orphanet 90636, MedGen C1846784, MONDO:0011774, OMIM 607101.

Allele frequency attached by ClinVar (database versions not stated): gnomAD exomes 0.00035 and 0.00105; ExAC 0.00125; gnomAD 0.00389 and 0.00409; ESP Exome Variant Server 0.00400; TOPMed 0.00435; 1000 Genomes Project 0.00679; 1000 Genomes Project 30x 0.00687.
gnomAD v4.1: 1,131 of 1,613,830 alleles (0.07%); highest among the groups gnomAD compares: African/African-American, 1.3%; 8 homozygotes.

Submissions (6):

Labcorp Genetics (formerly Invitae), Labcorp
Classification: Benign. Last evaluated: 2025-12-14. Review status: criteria provided, single submitter. Criteria: Invitae Variant Classification Sherloc (09022015). Collection method: clinical testing. Allele origin: germline.

Blueprint Genetics
Classification: Likely benign. Last evaluated: 2024-08-28. Review status: criteria provided, single submitter. Criteria: ACMG Guidelines, 2015. Collection method: clinical testing. Allele origin: germline.

GeneDx
Classification: Likely benign. Last evaluated: 2018-09-13. Review status: criteria provided, single submitter. Criteria: GeneDx Variant Classification Process June 2021. Collection method: clinical testing. Allele origin: germline. Affected: yes.

Illumina Laboratory Services, Illumina
Classification: Uncertain significance for Autosomal recessive nonsyndromic hearing loss 30. Last evaluated: 2017-04-27. Review status: criteria provided, single submitter. Criteria: ICSL Variant Classification Criteria 13 December 2019. Collection method: clinical testing. Allele origin: germline.

Laboratory for Molecular Medicine, Mass General Brigham Personalized Medicine
Classification: Benign. Last evaluated: 2012-04-30. Review status: criteria provided, single submitter. Criteria: LMM Criteria. Collection method: clinical testing. Allele origin: germline. Observed: 3 variant alleles.
Comment: 1777-14G>T in Intron 17 of MYO3A: This variant is not expected to have clinical significance because it has been identified in 1.1% (41/3738) of African America n chromosomes from a broad population by the NHLBI Exome Sequencing Project (dbSNP rs4592324).

PreventionGenetics, part of Exact Sciences
Classification: Benign for MYO3A-related condition. Last evaluated: 2019-06-24. Review status: no assertion criteria provided. Collection method: clinical testing. Allele origin: germline. Not counted in ClinVar's aggregate classification.
Comment: This variant is classified as benign based on ACMG/AMP sequence variant interpretation guidelines (Richards et al. 2015 PMID: 25741868, with internal and published modifications).

NM_017433.5(MYO3A):c.1777-14G>T

Gene: MYO3A (myosin IIIA; plus strand). Cytogenetic location: 10p12.1.
Variant type: single nucleotide variant.
Coding change: c.1777-14G>T on transcript NM_017433.5 (MANE Select); 14 bases into the intron before coding-DNA position 1777, G replaced by T.
Molecular consequence: intron variant.
Genome position (GRCh38, 1-based): chr10:26,120,662, G>T. VCF-style: chr10-26120662-G-T. GRCh37 (hg19) VCF-style: chr10-26409591-G-T.
Identifiers: ClinVar variation 164618 (VCV000164618.21), dbSNP rs4592324, ClinGen allele CA177333.